The following is an entry in ClinVar:

ClinVar aggregate classification (germline): Uncertain significance. Review status: criteria provided, multiple submitters, no conflicts (2 of 4 stars). 3 submissions from 3 submitters: Uncertain significance (3). Last evaluated 2024-06-17.

Conditions:
Nephronophthisis 18 (NPHP18). Identifiers: Orphanet 655, MedGen C3890591, MONDO:0014374, OMIM 615862.
Inborn genetic diseases. Identifiers: MedGen C0950123, MeSH D030342.

Allele frequency attached by ClinVar (database versions not stated): ExAC 0.00005; gnomAD 0.00002; TOPMed 0.00002; gnomAD exomes 0.00004.
gnomAD v4.1: 46 of 1,567,062 alleles (0.0029%); highest among the groups gnomAD compares: Non-Finnish European, 0.0037%; no homozygotes.

Submissions (3):

Ambry Genetics
Classification: Uncertain significance for Inborn genetic diseases. Last evaluated: 2024-06-17. Review status: criteria provided, single submitter. Criteria: Ambry Variant Classification Scheme 2023. Collection method: clinical testing. Allele origin: germline.

Labcorp Genetics (formerly Invitae), Labcorp
Classification: Uncertain significance for Nephronophthisis 18. Last evaluated: 2024-01-15. Review status: criteria provided, single submitter. Criteria: Invitae Variant Classification Sherloc (09022015). Collection method: clinical testing. Allele origin: germline.
Comment: This sequence change replaces arginine, which is basic and polar, with cysteine, which is neutral and slightly polar, at codon 133 of the CEP83 protein (p.Arg133Cys). This variant is present in population databases (rs781589254, gnomAD 0.006%). This variant has not been reported in the literature in individuals affected with CEP83-related conditions. ClinVar contains an entry for this variant (Variation ID: 1358896). Algorithms developed to predict the effect of missense changes on protein structure and function output the following: SIFT: "Not Available"; PolyPhen-2: "Benign"; Align-GVGD: "Not Available". The cysteine amino acid residue is found in multiple mammalian species, which suggests that this missense change does not adversely affect protein function. In summary, the available evidence is currently insufficient to determine the role of this variant in disease. Therefore, it has been classified as a Variant of Uncertain Significance.

Mayo Clinic Laboratories, Mayo Clinic
Classification: Uncertain significance. Last evaluated: 2023-02-17. Review status: criteria provided, single submitter. Criteria: ACMG Guidelines, 2015. Collection method: clinical testing. Allele origin: germline. Observed: 1 variant allele.

NM_016122.3(CEP83):c.397C>T (p.Arg133Cys)

Gene: CEP83 (centrosomal protein 83; minus strand). Cytogenetic location: 12q22.
Variant type: single nucleotide variant.
Coding change: c.397C>T on transcript NM_016122.3 (MANE Select); coding-DNA position 397, C replaced by T.
Protein change: p.Arg133Cys; replaces arginine 133 with cysteine.
Molecular consequence: missense variant. On other transcripts: non-coding transcript variant (3), intron variant (2).
Genome position (GRCh38, 1-based): chr12:94,403,190, G>A on the plus strand (C>T on the coding strand, the complement: CEP83 is on the minus strand). VCF-style: chr12-94403190-G-A. GRCh37 (hg19) VCF-style: chr12-94796966-G-A.
Other names: p.Arg133Cys; c.397C>T, p.Arg133Cys (NM_001042399.2, NM_001346457.2, NM_001346460.2 and 3 more transcripts); c.85C>T, p.Arg29Cys (NM_001346458.2, NM_001346459.2, NM_001346462.2 and 2 more transcripts); c.324+8507C>T (NM_001368041.1); c.12+8507C>T (NM_001368042.1); c.397C>T (NM_016122.2); short protein forms R133C, R29C.
Identifiers: ClinVar variation 1358896 (VCV001358896.7), dbSNP rs781589254, ClinGen allele CA6721963.